The following is an entry in ClinVar:

ClinVar aggregate classification (germline): Uncertain significance. Review status: criteria provided, multiple submitters, no conflicts (2 of 4 stars). 4 submissions from 4 submitters: Uncertain significance (4). Last evaluated 2025-11-03.

Conditions:
Inborn genetic diseases. Identifiers: MedGen C0950123, MeSH D030342.

Allele frequency attached by ClinVar (database versions not stated): ExAC 0.00002; gnomAD exomes 0.00002 and 0.00003; gnomAD 0.00004; TOPMed 0.00006.
gnomAD v4.1: 50 of 1,613,676 alleles (0.0031%); highest among the groups gnomAD compares: Non-Finnish European, 0.004%; no homozygotes.

Submissions (4):

Labcorp Genetics (formerly Invitae), Labcorp
Classification: Uncertain significance. Last evaluated: 2025-11-03. Review status: criteria provided, single submitter. Criteria: Invitae Variant Classification Sherloc (09022015). Collection method: clinical testing. Allele origin: germline.
Comment: This sequence change replaces arginine, which is basic and polar, with glutamine, which is neutral and polar, at codon 83 of the POGLUT1 protein (p.Arg83Gln). This variant is present in population databases (rs770097304, gnomAD 0.007%). This variant has not been reported in the literature in individuals affected with POGLUT1-related conditions. ClinVar contains an entry for this variant (Variation ID: 655526). Invitae Evidence Modeling of protein sequence and biophysical properties (such as structural, functional, and spatial information, amino acid conservation, physicochemical variation, residue mobility, and thermodynamic stability) indicates that this missense variant is not expected to disrupt POGLUT1 protein function with a negative predictive value of 80%. In summary, the available evidence is currently insufficient to determine the role of this variant in disease. Therefore, it has been classified as a Variant of Uncertain Significance.

Ambry Genetics
Classification: Uncertain significance for Inborn genetic diseases. Last evaluated: 2025-10-29. Review status: criteria provided, single submitter. Criteria: Ambry Variant Classification Scheme 2023. Collection method: clinical testing. Allele origin: germline.

Mayo Clinic Laboratories, Mayo Clinic
Classification: Uncertain significance. Last evaluated: 2025-02-23. Review status: criteria provided, single submitter. Criteria: ACMG Guidelines, 2015. Collection method: clinical testing. Allele origin: germline. Observed: 1 variant allele.
Comment: BP4

GeneDx
Classification: Uncertain significance. Last evaluated: 2024-06-26. Review status: criteria provided, single submitter. Criteria: GeneDx Variant Classification Process June 2021. Collection method: clinical testing. Allele origin: germline. Affected: yes.
Comment: In silico analysis indicates that this missense variant does not alter protein structure/function; Has not been previously published as pathogenic or benign to our knowledge

NM_152305.3(POGLUT1):c.248G>A (p.Arg83Gln)

Gene: POGLUT1 (protein O-glucosyltransferase 1; plus strand). Cytogenetic location: 3q13.33.
Variant type: single nucleotide variant.
Coding change: c.248G>A on transcript NM_152305.3 (MANE Select); coding-DNA position 248, G replaced by A.
Protein change: p.Arg83Gln; replaces arginine 83 with glutamine.
Molecular consequence: missense variant. On other transcripts: non-coding transcript variant (1).
Genome position (GRCh38, 1-based): chr3:119,471,380, G>A. VCF-style: chr3-119471380-G-A. GRCh37 (hg19) VCF-style: chr3-119190227-G-A.
Other names: p.Arg83Gln; short protein forms R83Q.
Identifiers: ClinVar variation 655526 (VCV000655526.9), dbSNP rs770097304, ClinGen allele CA2554788.